The following is an entry in ClinVar:

ClinVar aggregate classification (germline): Uncertain significance (1 of 4 stars; one submission).

Allele frequency attached by ClinVar (database versions not stated): gnomAD exomes below 0.00001 and 0.00001; TOPMed below 0.00001; gnomAD 0.00001.
gnomAD v4.1: 5 of 1,613,446 alleles (0.00031%); highest among the groups gnomAD compares: East Asian, 0.0089%; no homozygotes.

Submission:

Labcorp Genetics (formerly Invitae), Labcorp
Classification: Uncertain significance. Last evaluated: 2025-04-18. Review status: criteria provided, single submitter. Criteria: Invitae Variant Classification Sherloc (09022015). Collection method: clinical testing. Allele origin: germline.
Comment: This sequence change replaces aspartic acid, which is acidic and polar, with asparagine, which is neutral and polar, at codon 4028 of the ADGRV1 protein (p.Asp4028Asn). This variant is present in population databases (no rsID available, gnomAD 0.02%). This missense change has been observed in individual(s) with epileptic encephalopathy (PMID: 34055682). ClinVar contains an entry for this variant (Variation ID: 1394739). An algorithm developed to predict the effect of missense changes on protein structure and function (PolyPhen-2) suggests that this variant is likely to be disruptive. In summary, the available evidence is currently insufficient to determine the role of this variant in disease. Therefore, it has been classified as a Variant of Uncertain Significance.

Literature cited by the submitters: PubMed 34055682.

NM_032119.4(ADGRV1):c.12082G>A (p.Asp4028Asn)

Gene: ADGRV1 (adhesion G protein-coupled receptor V1; plus strand). Cytogenetic location: 5q14.3.
Variant type: single nucleotide variant.
Coding change: c.12082G>A on transcript NM_032119.4 (MANE Select); coding-DNA position 12082, G replaced by A.
Protein change: p.Asp4028Asn; replaces aspartic acid 4028 with asparagine.
Molecular consequence: missense variant. On other transcripts: non-coding transcript variant (1).
Genome position (GRCh38, 1-based): chr5:90,759,550, G>A. VCF-style: chr5-90759550-G-A. GRCh37 (hg19) VCF-style: chr5-90055367-G-A.
Other names: short protein forms D4028N.
Identifiers: ClinVar variation 1394739 (VCV001394739.6), dbSNP rs1188700483, ClinGen allele CA360374325.